The following is an entry in ClinVar:

NM_000275.3(OCA2):c.1182G>A (p.Met394Ile)

Gene: OCA2 (OCA2 melanosomal transmembrane protein; minus strand). Cytogenetic location: 15q13.1.
Variant type: single nucleotide variant.
Coding change: c.1182G>A on transcript NM_000275.3 (MANE Select); coding-DNA position 1182, G replaced by A.
Protein change: p.Met394Ile; replaces methionine 394 with isoleucine.
Molecular consequence: missense variant.
Genome position (GRCh38, 1-based): chr15:27,989,601, C>T on the plus strand (G>A on the coding strand, the complement: OCA2 is on the minus strand). VCF-style: chr15-27989601-C-T. GRCh37 (hg19) VCF-style: chr15-28234747-C-T.
Other names: c.1110G>A, p.Met370Ile (NM_001300984.2); short protein forms M394I, M370I.
Identifiers: ClinVar variation 965 (VCV000000965.3), dbSNP rs121918171, ClinGen allele CA251641.

ClinVar aggregate classification (germline): Uncertain significance. Review status: criteria provided, multiple submitters, no conflicts (2 of 4 stars). 3 submissions from 3 submitters: Uncertain significance (2). 1 of the submissions does not count toward it. Last evaluated 2026-05-20.

Conditions:
Tyrosinase-positive oculocutaneous albinism (OCA2). Also called: Albinism, oculocutaneous, type II; Oculocutaneous albinism type 2; ALBINISM II. Identifiers: Orphanet 79432, MedGen C0268495, MONDO:0008746, OMIM 203200.

Allele frequency attached by ClinVar (database versions not stated): ExAC 0.00001; gnomAD exomes 0.00001.
gnomAD v4.1: 4 of 1,613,860 alleles (0.00025%); highest among the groups gnomAD compares: East Asian, 0.0089%; no homozygotes.

Submissions (3):

Myriad Genetics, Inc.
Classification: Uncertain significance for Tyrosinase-positive oculocutaneous albinism. Last evaluated: 2026-05-20. Review status: criteria provided, single submitter. Criteria: Myriad Autosomal Dominant, Autosomal Recessive and X-Linked Classification Criteria (2023). Collection method: clinical testing. Allele origin: unknown.
Comment: NM_000275.2(OCA2):c.1182G>A(M394I) is a missense variant classified as a variant of uncertain significance in the context of oculocutaneous albinism, OCA2-related. M394I has been observed in cases with relevant disease (PMID: 32969595, 34838614, 12713581). Relevant functional assessments of this variant are not available in the literature. M394I has been observed in referenced population frequency databases. In summary, there is insufficient evidence to classify NM_000275.2(OCA2):c.1182G>A(M394I) as pathogenic or benign. Please note: this variant was assessed in the context of healthy population screening.

3billion
Classification: Uncertain significance for Tyrosinase-positive oculocutaneous albinism. Last evaluated: 2023-12-06. Review status: criteria provided, single submitter. Criteria: ACMG Guidelines, 2015. Collection method: clinical testing. Allele origin: germline. Affected: yes.
Comment: The variant is observed at an extremely low frequency in the gnomAD v2.1.1 dataset (total allele frequency: 0.001%). Predicted Consequence/Location: Missense variant In silico tool predictions suggest damaging effect of the variant on gene or gene product [REVEL: 0.89 (>=0.6, sensitivity 0.68 and specificity 0.92); 3Cnet: 0.78 (>=0.6, sensitivity 0.72 and precision 0.9)]. Same nucleotide change resulting in same amino acid change has been previously reported to be associated with OCA2-related disorder (ClinVar ID: VCV000000965 /PMID: 12713581). However, the evidence of pathogenicity is insufficient at this time. Therefore, this variant is classified as VUS according to the recommendation of ACMG/AMP guideline.

OMIM
Classification: Pathogenic for ALBINISM, OCULOCUTANEOUS, TYPE II. Last evaluated: 2005-01-01. Review status: no assertion criteria provided. Collection method: literature only. Allele origin: germline. Not counted in ClinVar's aggregate classification.

Literature cited by the submitters: PubMed 12713581 (cited by Myriad Genetics, Inc. and 3billion); PubMed 32969595 (cited by Myriad Genetics, Inc.); PubMed 34838614 (cited by Myriad Genetics, Inc.); PubMed 15942220 (cited by OMIM).